The following is an entry in ClinVar:

ClinVar aggregate classification (germline): Uncertain significance (1 of 4 stars; one submission).

gnomAD v4.1: 7 of 1,296,364 alleles (0.00054%); highest among the groups gnomAD compares: Middle Eastern, 0.029%; no homozygotes.

Submission:

Ambry Genetics
Classification: Uncertain significance. Last evaluated: 2022-05-25. Review status: criteria provided, single submitter. Criteria: Ambry Variant Classification Scheme 2023. Collection method: clinical testing. Allele origin: germline.
Comment: The c.448G>A (p.A150T) alteration is located in exon (coding exon ) of the SH3RF3 gene. This alteration results from a G to A substitution at nucleotide position 448, causing the alanine (A) at amino acid position 150 to be replaced by a threonine (T). Based on insufficient or conflicting evidence, the clinical significance of this alteration remains unclear.

NM_001099289.3(SH3RF3):c.448G>A (p.Ala150Thr)

Genes: RANBP2 (RAN binding protein 2; plus strand), SH3RF3 (SH3 domain containing ring finger 3; plus strand), SH3RF3-AS1 (SH3RF3 antisense RNA 1; minus strand). Cytogenetic location: 2q13.
Variant type: single nucleotide variant.
Coding change: c.448G>A on transcript NM_001099289.3 (MANE Select); coding-DNA position 448, G replaced by A.
Protein change: p.Ala150Thr; replaces alanine 150 with threonine.
Molecular consequence: missense variant. On other transcripts: non-coding transcript variant (1).
Genome position (GRCh38, 1-based): chr2:109,129,988, G>A. VCF-style: chr2-109129988-G-A. GRCh37 (hg19) VCF-style: chr2-109746444-G-A.
Other names: short protein forms A150T.
Identifiers: ClinVar variation 2291133 (VCV002291133.2), dbSNP rs2471091813, ClinGen allele CA348118741.